The following is an entry in ClinVar:

ClinVar aggregate classification (germline): Conflicting classifications of pathogenicity. Review status: criteria provided, conflicting classifications (1 of 4 stars). 5 submissions from 5 submitters: Uncertain significance (1); Likely benign (4). Last evaluated 2025-12-29.

Conditions:
Cardiovascular phenotype. Identifiers: MedGen CN230736.
Hypertrophic cardiomyopathy. Also called: HYPERTROPHIC MYOCARDIOPATHY. Identifiers: Orphanet 217569, MedGen C0007194, MeSH D002312, MONDO:0005045, HP:0001639.
Cardiomyopathy (CMYO). Also called: Cardiomyopathies. Identifiers: Orphanet 167848, MedGen C0878544, MONDO:0004994, HP:0001638. Inheritance: Various modes of inheritance.

Allele frequency attached by ClinVar (database versions not stated): gnomAD exomes 0.00001; ExAC 0.00002; TOPMed 0.00002; gnomAD 0.00005; ESP Exome Variant Server 0.00015.
gnomAD v4.1: 10 of 1,611,130 alleles (0.00062%); highest among the groups gnomAD compares: African/African-American, 0.013%; no homozygotes.

Submissions (5):

Labcorp Genetics (formerly Invitae), Labcorp
Classification: Uncertain significance for Hypertrophic cardiomyopathy. Last evaluated: 2025-12-29. Review status: criteria provided, single submitter. Criteria: Invitae Variant Classification Sherloc (09022015). Collection method: clinical testing. Allele origin: germline.
Comment: This sequence change affects codon 298 of the MYH7 mRNA. It is a 'silent' change, meaning that it does not change the encoded amino acid sequence of the MYH7 protein. It affects a nucleotide within the consensus splice site. This variant is present in population databases (rs147062651, gnomAD 0.02%). This variant has not been reported in the literature in individuals affected with MYH7-related conditions. ClinVar contains an entry for this variant (Variation ID: 454396). Algorithms developed to predict the effect of sequence changes on RNA splicing suggest that this variant is not likely to affect RNA splicing. In summary, the available evidence is currently insufficient to determine the role of this variant in disease. Therefore, it has been classified as a Variant of Uncertain Significance.

All of Us Research Program, National Institutes of Health
Classification: Likely benign for Cardiomyopathy. Last evaluated: 2023-12-07. Review status: criteria provided, single submitter. Criteria: ACMG Guidelines, 2015. Collection method: clinical testing. Allele origin: germline. Inheritance: Autosomal dominant inheritance. Observed: 3 variant alleles, 3 heterozygotes.
Comment: This study involves interpretation of variants in research participants for the purpose of population health screening. Participant phenotype was not available at the time of variant classification. Additional details can be found in publication PMID: 35346344, PMCID: PMC8962531

GeneDx
Classification: Likely benign. Last evaluated: 2021-06-03. Review status: criteria provided, single submitter. Criteria: GeneDx Variant Classification Process June 2021. Collection method: clinical testing. Allele origin: germline. Affected: yes.

Ambry Genetics
Classification: Likely benign for Cardiovascular phenotype. Last evaluated: 2019-12-20. Review status: criteria provided, single submitter. Criteria: Ambry Variant Classification Scheme 2023. Collection method: clinical testing. Allele origin: germline.

Color Diagnostics, LLC DBA Color Health
Classification: Likely benign for Cardiomyopathy. Last evaluated: 2019-08-02. Review status: criteria provided, single submitter. Criteria: ACMG Guidelines, 2015. Collection method: clinical testing. Allele origin: germline.

NM_000257.4(MYH7):c.894G>A (p.Leu298=)

Gene: MYH7 (myosin heavy chain 7; minus strand). Cytogenetic location: 14q11.2.
Variant type: single nucleotide variant.
Coding change: c.894G>A on transcript NM_000257.4 (MANE Select); coding-DNA position 894, G replaced by A.
Protein change: p.Leu298=; no amino-acid change (leucine 298 retained).
Molecular consequence: synonymous variant.
Genome position (GRCh38, 1-based): chr14:23,430,902, C>T on the plus strand (G>A on the coding strand, the complement: MYH7 is on the minus strand). VCF-style: chr14-23430902-C-T. GRCh37 (hg19) VCF-style: chr14-23900111-C-T.
Other names: c.894G>A (LRG_384t1).
Identifiers: ClinVar variation 454396 (VCV000454396.15), dbSNP rs147062651, ClinGen allele CA049428.
Genomic context (GRCh38, chr14:23,430,902, plus strand): 5'-AGCAGAGGGGACCAGGTTGCCATGGAGATAGTTGGTCTCAGTCGGTGGCTCTGACTCACC[C>T]AGCAGCTCAGGCTTTTTGTTAGACAGGATTTGGTAGAAAATGTGATAATCTCTCTCTGCT-3'
Protein context (NP_000248.2, residues 288-308): QILSNKKPEL[Leu298=]DMLLITNNPY